The following is an entry in ClinVar:

ClinVar aggregate classification (germline): Uncertain significance. Review status: criteria provided, multiple submitters, no conflicts (2 of 4 stars). 3 submissions from 3 submitters: Uncertain significance (3). Last evaluated 2024-01-29.

Conditions:
Inborn genetic diseases. Identifiers: MedGen C0950123, MeSH D030342.
Bethlem myopathy 1A. Also called: Bethlem Muscular Dystrophy; MYOPATHY, BENIGN CONGENITAL, WITH CONTRACTURES; Bethlem myopathy 1. Identifiers: Orphanet 610, MedGen CN029274, MONDO:0024530, OMIM 158810.

Submissions (3):

Ambry Genetics
Classification: Uncertain significance for Inborn genetic diseases. Last evaluated: 2024-01-29. Review status: criteria provided, single submitter. Criteria: Ambry Variant Classification Scheme 2023. Collection method: clinical testing. Allele origin: germline.

GeneDx
Classification: Uncertain significance. Last evaluated: 2022-09-13. Review status: criteria provided, single submitter. Criteria: GeneDx Variant Classification Process June 2021. Collection method: clinical testing. Allele origin: germline. Affected: yes.
Comment: Not observed at significant frequency in large population cohorts (gnomAD); In silico analysis supports that this missense variant has a deleterious effect on protein structure/function; Has not been previously published as pathogenic or benign to our knowledge

Labcorp Genetics (formerly Invitae), Labcorp
Classification: Uncertain significance for Bethlem myopathy 1A. Last evaluated: 2020-01-17. Review status: criteria provided, single submitter. Criteria: Invitae Variant Classification Sherloc (09022015). Collection method: clinical testing. Allele origin: germline.
Comment: This sequence change replaces alanine with valine at codon 698 of the COL6A1 protein (p.Ala698Val). The alanine residue is highly conserved and there is a small physicochemical difference between alanine and valine. This variant is not present in population databases (ExAC no frequency). This variant has not been reported in the literature in individuals with COL6A1-related conditions. Algorithms developed to predict the effect of missense changes on protein structure and function are either unavailable or do not agree on the potential impact of this missense change (SIFT: "Tolerated"; PolyPhen-2: "Probably Damaging"; Align-GVGD: "Class C0"). Algorithms developed to predict the effect of sequence changes on RNA splicing suggest that this variant may create or strengthen a splice site, but this prediction has not been confirmed by published transcriptional studies. In summary, the available evidence is currently insufficient to determine the role of this variant in disease. Therefore, it has been classified as a Variant of Uncertain Significance.

NM_001848.3(COL6A1):c.2093C>T (p.Ala698Val)

Gene: COL6A1 (collagen type VI alpha 1 chain; plus strand). Cytogenetic location: 21q22.3.
Variant type: single nucleotide variant.
Coding change: c.2093C>T on transcript NM_001848.3 (MANE Select); coding-DNA position 2093, C replaced by T.
Protein change: p.Ala698Val; replaces alanine 698 with valine.
Molecular consequence: missense variant.
Genome position (GRCh38, 1-based): chr21:46,002,244, C>T. VCF-style: chr21-46002244-C-T. GRCh37 (hg19) VCF-style: chr21-47422158-C-T.
Other names: c.2093C>T (NM_001848.2); short protein forms A698V.
Identifiers: ClinVar variation 1060951 (VCV001060951.13), dbSNP rs2123490392, ClinGen allele CA410535339.